The following is an entry in ClinVar:

NM_000276.4(OCRL):c.239-4023A>G

Gene: OCRL (OCRL inositol polyphosphate-5-phosphatase; plus strand). Cytogenetic location: Xq26.1.
Variant type: single nucleotide variant.
Coding change: c.239-4023A>G on transcript NM_000276.4 (MANE Select); 4023 bases into the intron before coding-DNA position 239, A replaced by G.
Molecular consequence: intron variant.
Genome position (GRCh38, 1-based): chrX:129,553,302, A>G. VCF-style: chrX-129553302-A-G. GRCh37 (hg19) VCF-style: chrX-128687279-A-G.
Other names: c.242-4023A>G (NM_001318784.2); c.239-4023A>G (NM_001587.4).
Identifiers: ClinVar variation 370030 (VCV000370030.3), dbSNP rs1057515577, ClinGen allele CA16040625.

ClinVar aggregate classification (germline): Pathogenic (1 of 4 stars; one submission).

Conditions:
Lowe syndrome (OCRL). Also called: PHOSPHATIDYLINOSITOL 4,5-BISPHOSPHATE 5-PHOSPHATASE DEFICIENCY; Oculocerebrorenal Syndrome; LOWE OCULOCEREBRORENAL SYNDROME. Identifiers: Orphanet 534, MedGen C0028860, MONDO:0010645, OMIM 309000.

Submission:

Biochimie Génétique et moléculaire, CHUGA
Classification: Pathogenic for Lowe syndrome. Review status: criteria provided, single submitter. Criteria: From Lowe syndrome to Dent disease: correlations between mutations of the OCRL1 gene and clinical and biochemical phenotypes. Collection method: clinical testing. Allele origin: maternal. Inheritance: X-linked recessive inheritance. Affected: yes. Observed: 1 variant allele, 1 hemizygote.
Comment: Oculo cerebro renal syndrome of Lowe